The following is an entry in ClinVar:

NM_001379500.1(COL18A1):c.1009G>A (p.Gly337Ser)

Gene: COL18A1 (collagen type XVIII alpha 1 chain; plus strand). Cytogenetic location: 21q22.3.
Variant type: single nucleotide variant.
Coding change: c.1009G>A on transcript NM_001379500.1 (MANE Select); coding-DNA position 1009, G replaced by A.
Protein change: p.Gly337Ser; replaces glycine 337 with serine.
Molecular consequence: missense variant.
Genome position (GRCh38, 1-based): chr21:45,477,753, G>A. VCF-style: chr21-45477753-G-A. GRCh37 (hg19) VCF-style: chr21-46897667-G-A.
Other names: NM_130445.2:c.1009G>A; c.1549G>A, p.Gly517Ser (NM_030582.4); c.2254G>A, p.Gly752Ser (NM_130444.3); short protein forms G517S, G752S.
Identifiers: ClinVar variation 340210 (VCV000340210.16), dbSNP rs76547444, ClinGen allele CA10066061.

ClinVar aggregate classification (germline): Benign/Likely benign. Review status: criteria provided, multiple submitters, no conflicts (2 of 4 stars). 4 submissions from 4 submitters: Benign (2); Likely benign (2). Last evaluated 2026-01-31.

Conditions:
Knobloch syndrome (KNO). Also called: RETINAL DETACHMENT AND OCCIPITAL ENCEPHALOCELE; Myopia retinal detachment encephalocele. Identifiers: Orphanet 1571, MedGen C1849409, MONDO:0800166.

Allele frequency attached by ClinVar (database versions not stated): gnomAD exomes 0.00104 and 0.00222; ExAC 0.00335; ESP Exome Variant Server 0.00924; 1000 Genomes Project 30x 0.00968; 1000 Genomes Project 0.01018; gnomAD 0.01059 and 0.01152; TOPMed 0.01220.
gnomAD v4.1: 3,130 of 1,537,764 alleles (0.2%); highest among the groups gnomAD compares: African/African-American, 3.7%; 59 homozygotes.

Submissions (4):

Labcorp Genetics (formerly Invitae), Labcorp
Classification: Benign. Last evaluated: 2026-01-31. Review status: criteria provided, single submitter. Criteria: Invitae Variant Classification Sherloc (09022015). Collection method: clinical testing. Allele origin: germline.

Illumina Laboratory Services, Illumina
Classification: Benign for Knobloch syndrome 1. Last evaluated: 2018-01-13. Review status: criteria provided, single submitter. Criteria: ICSL Variant Classification Criteria 13 December 2019. Collection method: clinical testing. Allele origin: germline.
Comment: This variant was observed in the ICSL laboratory as part of a predisposition screen in an ostensibly healthy population. It had not been previously curated by ICSL or reported in the Human Gene Mutation Database (HGMD: prior to June 1st, 2018), and was therefore a candidate for classification through an automated scoring system. Utilizing variant allele frequency, disease prevalence and penetrance estimates, and inheritance mode, an automated score was calculated to assess if this variant is too frequent to cause the disease. Based on the score and internal cut-off values, a variant classified as benign is not then subjected to further curation. The score for this variant resulted in a classification of benign for this disease.

Center for Pediatric Genomic Medicine, Children's Mercy Hospital and Clinics
Classification: Likely benign. Last evaluated: 2016-12-30. Review status: criteria provided, single submitter. Criteria: ACMG Guidelines, 2015. Collection method: clinical testing. Allele origin: germline.
ClinVar note: Converted during submission from Likely Benign to Likely benign.

Breakthrough Genomics
Classification: Likely benign. Review status: criteria provided, single submitter. Criteria: ACMG Guidelines, 2015. Collection method: not provided. Allele origin: germline. Inheritance: Autosomal recessive inheritance. Affected: yes.